The following is an entry in ClinVar:

ClinVar aggregate classification (germline): Uncertain significance (1 of 4 stars; one submission).

Allele frequency attached by ClinVar (database versions not stated): gnomAD exomes below 0.00001.
gnomAD v4.1: 1 of 1,586,534 alleles (0.000063%); highest among the groups gnomAD compares: Non-Finnish European, 0.000086%; no homozygotes.

Submission:

Labcorp Genetics (formerly Invitae), Labcorp
Classification: Uncertain significance. Last evaluated: 2022-10-27. Review status: criteria provided, single submitter. Criteria: Invitae Variant Classification Sherloc (09022015). Collection method: clinical testing. Allele origin: germline.
Comment: This variant is not present in population databases (gnomAD no frequency). This variant has not been reported in the literature in individuals affected with SUCO-related conditions. Algorithms developed to predict the effect of missense changes on protein structure and function are either unavailable or do not agree on the potential impact of this missense change (SIFT: "Deleterious"; PolyPhen-2: "Possibly Damaging"; Align-GVGD: "Class C0"). In summary, the available evidence is currently insufficient to determine the role of this variant in disease. Therefore, it has been classified as a Variant of Uncertain Significance. This sequence change replaces lysine, which is basic and polar, with arginine, which is basic and polar, at codon 318 of the SUCO protein (p.Lys318Arg).

NM_014283.5(SUCO):c.953A>G (p.Lys318Arg)

Gene: SUCO (SUN domain containing ossification factor; plus strand). Cytogenetic location: 1q24.3.
Variant type: single nucleotide variant.
Coding change: c.953A>G on transcript NM_014283.5 (MANE Select); coding-DNA position 953, A replaced by G.
Protein change: p.Lys318Arg; replaces lysine 318 with arginine.
Molecular consequence: missense variant. On other transcripts: 5 prime UTR variant (1).
Genome position (GRCh38, 1-based): chr1:172,570,143, A>G. VCF-style: chr1-172570143-A-G. GRCh37 (hg19) VCF-style: chr1-172539283-A-G.
Other names: c.842A>G, p.Lys281Arg (NM_001282750.2); c.-577A>G (NM_001282751.2); c.1427A>G, p.Lys476Arg (NM_016227.4); short protein forms K281R, K318R, K476R.
Identifiers: ClinVar variation 2895492 (VCV002895492.3), dbSNP rs2527333913, ClinGen allele CA343737795.
Genomic context (GRCh38, chr1:172,570,143, plus strand): 5'-ATGCCACCAAAAAGGTCCAGAAAAATCGAAATAATTATGCCTCAGTAGAATGTGGTGCCA[A>G]AATTCTAGCAGCTAATCCAGAAGCCAAGGTAGGTGTTTAAATATAAAATTTTGTATATAT-3'
Protein context (NP_055098.1, residues 308-328): NNYASVECGA[Lys318Arg]ILAANPEAKS